The following is an entry in ClinVar:

ClinVar aggregate classification (germline): Uncertain significance (1 of 4 stars; one submission).

Allele frequency attached by ClinVar (database versions not stated): gnomAD 0.00001; gnomAD exomes 0.00001; ExAC 0.00002.
gnomAD v4.1: 9 of 1,613,878 alleles (0.00056%); highest among the groups gnomAD compares: African/African-American, 0.0013%; no homozygotes.

Submission:

Labcorp Genetics (formerly Invitae), Labcorp
Classification: Uncertain significance. Last evaluated: 2022-04-04. Review status: criteria provided, single submitter. Criteria: Invitae Variant Classification Sherloc (09022015). Collection method: clinical testing. Allele origin: germline.
Comment: This sequence change replaces histidine, which is basic and polar, with tyrosine, which is neutral and polar, at codon 3334 of the FAT4 protein (p.His3334Tyr). This variant has not been reported in the literature in individuals affected with FAT4-related conditions. This variant is present in population databases (rs779250910, gnomAD 0.004%). In summary, the available evidence is currently insufficient to determine the role of this variant in disease. Therefore, it has been classified as a Variant of Uncertain Significance. Advanced modeling of protein sequence and biophysical properties (such as structural, functional, and spatial information, amino acid conservation, physicochemical variation, residue mobility, and thermodynamic stability) performed at Invitae indicates that this missense variant is not expected to disrupt FAT4 protein function.

NM_001291303.3(FAT4):c.10006C>T (p.His3336Tyr)

Gene: FAT4 (FAT atypical cadherin 4; plus strand). Cytogenetic location: 4q28.1.
Variant type: single nucleotide variant.
Coding change: c.10006C>T on transcript NM_001291303.3 (MANE Select); coding-DNA position 10006, C replaced by T.
Protein change: p.His3336Tyr; replaces histidine 3336 with tyrosine.
Molecular consequence: missense variant.
Genome position (GRCh38, 1-based): chr4:125,451,016, C>T. VCF-style: chr4-125451016-C-T. GRCh37 (hg19) VCF-style: chr4-126372171-C-T.
Other names: c.10006C>T, p.His3336Tyr (NM_001291285.3); c.10000C>T, p.His3334Tyr (NM_024582.6); short protein forms H3336Y, H3334Y.
Identifiers: ClinVar variation 2113890 (VCV002113890.4), dbSNP rs779250910, ClinGen allele CA3073617.